The following is an entry in ClinVar:

ClinVar aggregate classification (germline): Pathogenic (0 of 4 stars; one submission).

Conditions:
PMM2-congenital disorder of glycosylation. Also called: Congenital disorder of glycosylation, type Ia; PMM2-CDG; PHOSPHOMANNOMUTASE 2 DEFICIENCY; CARBOHYDRATE-DEFICIENT GLYCOPROTEIN SYNDROME, TYPE Ia; CDG Ia; JAEKEN SYNDROME. Identifiers: Orphanet 79318, MedGen C0349653, MONDO:0008907, OMIM 212065.

Submission:

Laboratory for Study of Mitochondrial Disorders, Charles University, First Faculty of Medicine - General University Hospital in Prague
Classification: Pathogenic for PMM2-congenital disorder of glycosylation. Review status: no assertion criteria provided. Collection method: clinical testing, case-control. Allele origin: germline, not applicable. Inheritance: Autosomal recessive inheritance. Affected: yes. Observed: 1 compound heterozygote. Functional consequence: mutation affecting reading frame.
Comment: The PMM2(NM_000303.3):c.696delA(p.Ala233ArgfsTer100) changes the last 13 amino acids including termination codon. In patient lymphocyte, significantly reduced PMM2 enzymatic activity was found (0,002 nmol/min/mg protein; controls: 0,81-1,65 nmol/min/mg protein). The variant is absent from GnomAd database and it was not present in the control population from the region of the Czech Republic (> 70 years, without severe diseases, 966 alleles).

NM_000303.3(PMM2):c.696del (p.Ala233fs)

Gene: PMM2 (phosphomannomutase 2; plus strand). Cytogenetic location: 16p13.2.
Variant type: Deletion.
Coding change: c.696del on transcript NM_000303.3 (MANE Select); coding-DNA position 696, one base deleted (A; older notation c.696delA).
Protein change: p.Ala233fs; shifts the reading frame from alanine 233.
Molecular consequence: frameshift variant.
Genome position (GRCh38, 1-based): chr16:8,847,780, A deleted. VCF-style (leftmost placement, unchanged base first): chr16-8847779-CA-C. GRCh37 (hg19) VCF-style: chr16-8941636-CA-C.
Other names: c.696delA (NM_000303.3); short protein forms A233fs.
Identifiers: ClinVar variation 1342149 (VCV001342149.4), dbSNP rs2141051516, ClinGen allele CA2580092070.
Genomic context (GRCh38, chr16:8,847,779, plus strand): 5'-TCCAGGGTGGCAATGACCATGAGATCTTCACAGACCCCAGAACCATGGGCTACTCCGTGA[CA>C]GCGCCTGAGGACACGCGCAGGATCTGTGAACTGCTGTTCTCCTAACGTGGGAGCGGGAGG-3'